The following is an entry in ClinVar:

ClinVar aggregate classification (germline): Conflicting classifications of pathogenicity. Review status: criteria provided, conflicting classifications (1 of 4 stars). 10 submissions from 8 submitters: Uncertain significance (3); Likely benign (6). 1 of the submissions does not count toward it. Last evaluated 2025-12-19.

Conditions:
MYO7A-related disorder. Also called: MYO7A-related disorders.
Inborn genetic diseases. Identifiers: MedGen C0950123, MeSH D030342.
Usher syndrome type 1 (USH1). Also called: RETINITIS PIGMENTOSA AND CONGENITAL DEAFNESS. Identifiers: Orphanet 231169, Orphanet 886, MedGen C1568247, MONDO:0010168, OMIM 276900.
Autosomal dominant nonsyndromic hearing loss 11. Identifiers: Orphanet 90635, MedGen C1832475, MONDO:0011032, OMIM 601317.
Autosomal recessive nonsyndromic hearing loss 2. Also called: DEAFNESS, AUTOSOMAL RECESSIVE 2; NEUROSENSORY NONSYNDROMIC RECESSIVE DEAFNESS 2. Identifiers: Orphanet 90636, MedGen C1838701, MONDO:0010807, OMIM 600060.
Hearing impairment. Also called: Impaired Hearing. Identifiers: MedGen C1384666, MONDO:0005365, HP:0000365.

Allele frequency attached by ClinVar (database versions not stated): gnomAD exomes 0.00049 and 0.00087; TOPMed 0.00052; gnomAD 0.00061 and 0.00064; ESP Exome Variant Server 0.00102; ExAC 0.00122.
gnomAD v4.1: 1,350 of 1,602,990 alleles (0.084%); highest among the groups gnomAD compares: Non-Finnish European, 0.11%; 1 homozygote.

Submissions (10):

Labcorp Genetics (formerly Invitae), Labcorp
Classification: Uncertain significance. Last evaluated: 2025-12-19. Review status: criteria provided, single submitter. Criteria: Invitae Variant Classification Sherloc (09022015). Collection method: clinical testing. Allele origin: germline.
Comment: This sequence change affects codon 761 of the MYO7A mRNA. It is a 'silent' change, meaning that it does not change the encoded amino acid sequence of the MYO7A protein. It affects a nucleotide within the consensus splice site. This variant is present in population databases (rs111033229, gnomAD 0.1%), and has an allele count higher than expected for a pathogenic variant. This variant has not been reported in the literature in individuals affected with MYO7A-related conditions. ClinVar contains an entry for this variant (Variation ID: 43179). Algorithms developed to predict the effect of sequence changes on RNA splicing suggest that this variant is not likely to affect RNA splicing. In summary, the available evidence is currently insufficient to determine the role of this variant in disease. Therefore, it has been classified as a Variant of Uncertain Significance.

Blueprint Genetics
Classification: Likely benign. Last evaluated: 2024-07-05. Review status: criteria provided, single submitter. Criteria: ACMG Guidelines, 2015. Collection method: clinical testing. Allele origin: germline.

Ambry Genetics
Classification: Likely benign for Inborn genetic diseases. Last evaluated: 2024-01-30. Review status: criteria provided, single submitter. Criteria: Ambry Variant Classification Scheme 2023. Collection method: clinical testing. Allele origin: germline.

GeneDx
Classification: Likely benign. Last evaluated: 2019-07-09. Review status: criteria provided, single submitter. Criteria: GeneDx Variant Classification Process June 2021. Collection method: clinical testing. Allele origin: germline. Affected: yes.
Comment: This variant is associated with the following publications: (PMID: 10930322, 10094549)

Cambridge Genomics Laboratory, East Genomic Laboratory Hub, NHS Genomic Medicine Service
Classification: Likely benign for Hearing impairment. Last evaluated: 2019-04-17. Review status: criteria provided, single submitter. Criteria: ACGS Best Practice Guidelines for Variant Classification in Rare Disease 2020. Collection method: clinical testing. Allele origin: germline. Affected: yes. Observed: 1 variant allele.

Illumina Laboratory Services, Illumina
Classification: Likely benign for Autosomal dominant nonsyndromic hearing loss 11. Last evaluated: 2018-01-13. Review status: criteria provided, single submitter. Criteria: ICSL Variant Classification Criteria 13 December 2019. Collection method: clinical testing. Allele origin: germline.
Comment: This variant was observed in the ICSL laboratory as part of a predisposition screen in an ostensibly healthy population. It had not been previously curated by ICSL or reported in the Human Gene Mutation Database (HGMD: prior to June 1st, 2018), and was therefore a candidate for classification through an automated scoring system. Utilizing variant allele frequency, disease prevalence and penetrance estimates, and inheritance mode, an automated score was calculated to assess if this variant is too frequent to cause the disease. Based on the score and internal cut-off values, a variant classified as likely benign is not then subjected to further curation. The score for this variant resulted in a classification of likely benign for this disease.

Illumina Laboratory Services, Illumina
Classification: Uncertain significance for Autosomal recessive nonsyndromic hearing loss 2. Last evaluated: 2018-01-13. Review status: criteria provided, single submitter. Criteria: ICSL Variant Classification Criteria 13 December 2019. Collection method: clinical testing. Allele origin: germline.

Illumina Laboratory Services, Illumina
Classification: Uncertain significance for Usher syndrome type 1. Last evaluated: 2018-01-13. Review status: criteria provided, single submitter. Criteria: ICSL Variant Classification Criteria 13 December 2019. Collection method: clinical testing. Allele origin: germline.

Laboratory for Molecular Medicine, Mass General Brigham Personalized Medicine
Classification: Likely benign. Last evaluated: 2009-10-06. Review status: criteria provided, single submitter. Criteria: LMM Criteria. Collection method: clinical testing. Allele origin: germline. Observed: 2 variant alleles.

PreventionGenetics, part of Exact Sciences
Classification: Likely benign for MYO7A-related condition. Last evaluated: 2019-12-05. Review status: no assertion criteria provided. Collection method: clinical testing. Allele origin: germline. Not counted in ClinVar's aggregate classification.
Comment: This variant is classified as likely benign based on ACMG/AMP sequence variant interpretation guidelines (Richards et al. 2015 PMID: 25741868, with internal and published modifications).

NM_000260.4(MYO7A):c.2283G>A (p.Arg761=)

Gene: MYO7A (myosin VIIA; plus strand). Cytogenetic location: 11q13.5.
Variant type: single nucleotide variant.
Coding change: c.2283G>A on transcript NM_000260.4 (MANE Select); coding-DNA position 2283, G replaced by A.
Protein change: p.Arg761=; no amino-acid change (arginine 761 retained).
Molecular consequence: synonymous variant.
Genome position (GRCh38, 1-based): chr11:77,179,045, G>A. VCF-style: chr11-77179045-G-A. GRCh37 (hg19) VCF-style: chr11-76890091-G-A.
Other names: c.2283G>A, p.Arg761= (NM_001127180.2); c.2250G>A, p.Arg750= (NM_001369365.1).
Identifiers: ClinVar variation 43179 (VCV000043179.21), dbSNP rs111033229, ClinGen allele CA132241.